The following is an entry in ClinVar:

ClinVar aggregate classification (germline): Uncertain significance (1 of 4 stars; one submission).

Conditions:
Congenital disorder of glycosylation, type Iw, autosomal dominant (CDG1WAD). Identifiers: MedGen C5562068, MONDO:0859223, OMIM 619714.

Allele frequency attached by ClinVar (database versions not stated): gnomAD exomes below 0.00001.
gnomAD v4.1: 1 of 1,586,066 alleles (0.000063%); highest among the groups gnomAD compares: Non-Finnish European, 0.000085%; no homozygotes.

Submission:

Greenwood Genetic Center Diagnostic Laboratories, Greenwood Genetic Center
Classification: Uncertain significance for Congenital disorder of glycosylation, type Iw, autosomal dominant. Last evaluated: 2022-04-28. Review status: criteria provided, single submitter. Criteria: ACMG Guidelines, 2015. Collection method: clinical testing. Allele origin: germline. Affected: yes.
Comment: PM2, PP2, PP3

NM_152713.5(STT3A):c.961G>A (p.Gly321Arg)

Gene: STT3A (STT3 oligosaccharyltransferase complex catalytic subunit A; plus strand). Cytogenetic location: 11q24.2.
Variant type: single nucleotide variant.
Coding change: c.961G>A on transcript NM_152713.5 (MANE Select); coding-DNA position 961, G replaced by A.
Protein change: p.Gly321Arg; replaces glycine 321 with arginine.
Molecular consequence: missense variant.
Genome position (GRCh38, 1-based): chr11:125,608,289, G>A. VCF-style: chr11-125608289-G-A. GRCh37 (hg19) VCF-style: chr11-125478184-G-A.
Other names: c.961G>A, p.Gly321Arg (NM_001278503.2); c.685G>A, p.Gly229Arg (NM_001278504.2); short protein forms G229R, G321R.
Identifiers: ClinVar variation 1703171 (VCV001703171.3), dbSNP rs2498153729, ClinGen allele CA383184914.